The following is an entry in ClinVar:

NM_004304.5(ALK):c.1921G>C (p.Glu641Gln)

Gene: ALK (ALK receptor tyrosine kinase; minus strand). Cytogenetic location: 2p23.2.
Variant type: single nucleotide variant.
Coding change: c.1921G>C on transcript NM_004304.5 (MANE Select); coding-DNA position 1921, G replaced by C.
Protein change: p.Glu641Gln; replaces glutamic acid 641 with glutamine.
Molecular consequence: missense variant.
Genome position (GRCh38, 1-based): chr2:29,275,219, C>G on the plus strand (G>C on the coding strand, the complement: ALK is on the minus strand). VCF-style: chr2-29275219-C-G. GRCh37 (hg19) VCF-style: chr2-29498085-C-G.
Other names: short protein forms E641Q.
Identifiers: ClinVar variation 3855615 (VCV003855615.1).

ClinVar aggregate classification (germline): Uncertain significance (1 of 4 stars; one submission).

Conditions:
Hereditary cancer-predisposing syndrome. Also called: Hereditary neoplastic syndrome; Neoplastic Syndromes, Hereditary; Tumor predisposition; Hereditary Cancer Syndrome. Identifiers: Orphanet 140162, MedGen C0027672, MeSH D009386, MONDO:0015356.

gnomAD v4.1: 1 of 1,614,088 alleles (0.000062%); highest among the groups gnomAD compares: Non-Finnish European, 0.000085%; no homozygotes.

Submission:

Ambry Genetics
Classification: Uncertain significance for Hereditary cancer-predisposing syndrome. Last evaluated: 2025-02-03. Review status: criteria provided, single submitter. Criteria: Ambry Variant Classification Scheme 2023. Collection method: clinical testing. Allele origin: germline.
Comment: The p.E641Q variant (also known as c.1921G>C), located in coding exon 11 of the ALK gene, results from a G to C substitution at nucleotide position 1921. The glutamic acid at codon 641 is replaced by glutamine, an amino acid with highly similar properties. This amino acid position is conserved. In addition, the in silico prediction for this alteration is inconclusive. Based on the available evidence, the clinical significance of this variant remains unclear.